The following is an entry in ClinVar:

ClinVar aggregate classification (germline): Uncertain significance (1 of 4 stars; one submission).

gnomAD v4.1: 4 of 1,613,652 alleles (0.00025%); highest among the groups gnomAD compares: African/African-American, 0.0053%; no homozygotes.

Submission:

Ambry Genetics
Classification: Uncertain significance. Last evaluated: 2024-12-16. Review status: criteria provided, single submitter. Criteria: Ambry Variant Classification Scheme 2023. Collection method: clinical testing. Allele origin: germline.
Comment: The p.I288F variant (also known as c.862A>T), located in coding exon 1 of the MC1R gene, results from an A to T substitution at nucleotide position 862. The isoleucine at codon 288 is replaced by phenylalanine, an amino acid with highly similar properties. This amino acid position is conserved. In addition, this alteration is predicted to be tolerated by in silico analysis. Based on the available evidence, the clinical significance of this variant remains unclear.

NM_002386.4(MC1R):c.862A>T (p.Ile288Phe)

Gene: MC1R (melanocortin 1 receptor; plus strand). Cytogenetic location: 16q24.3.
Variant type: single nucleotide variant.
Coding change: c.862A>T on transcript NM_002386.4 (MANE Select); coding-DNA position 862, A replaced by T.
Protein change: p.Ile288Phe; replaces isoleucine 288 with phenylalanine.
Molecular consequence: missense variant.
Genome position (GRCh38, 1-based): chr16:89,920,120, A>T. VCF-style: chr16-89920120-A-T. GRCh37 (hg19) VCF-style: chr16-89986528-A-T.
Other names: short protein forms I288F.
Identifiers: ClinVar variation 3871063 (VCV003871063.1).